The following is an entry in ClinVar:

NM_014231.5(VAMP1):c.130-6C>G

Genes: TAPBPL (TAP binding protein like; plus strand), VAMP1 (vesicle associated membrane protein 1; minus strand). Cytogenetic location: 12p13.31.
Variant type: single nucleotide variant.
Coding change: c.130-6C>G on transcript NM_014231.5 (MANE Select); 6 bases into the intron before coding-DNA position 130, C replaced by G.
Molecular consequence: intron variant.
Genome position (GRCh38, 1-based): chr12:6,466,006, G>C on the plus strand (C>G on the coding strand, the complement: VAMP1 is on the minus strand). VCF-style: chr12-6466006-G-C. GRCh37 (hg19) VCF-style: chr12-6575172-G-C.
Other names: c.130-6C>G (NM_016830.4, NM_001297438.2, NM_199245.3).
Identifiers: ClinVar variation 1368203 (VCV001368203.9), dbSNP rs781012325, ClinGen allele CA6407700.

ClinVar aggregate classification (germline): Uncertain significance (1 of 4 stars; one submission).

Conditions:
Spastic paraplegia. Identifiers: MedGen C0037772, HP:0001258.

gnomAD v4.1: 25 of 1,614,052 alleles (0.0015%); highest among the groups gnomAD compares: Non-Finnish European, 0.0021%; no homozygotes.

Submissions (2):

Labcorp Genetics (formerly Invitae), Labcorp
Classification: Uncertain significance for Spastic paraplegia. Last evaluated: 2023-07-28. Review status: criteria provided, single submitter. Criteria: Invitae Variant Classification Sherloc (09022015). Collection method: clinical testing. Allele origin: germline.
Comment: This sequence change falls in intron 2 of the VAMP1 gene. It does not directly change the encoded amino acid sequence of the VAMP1 protein. This variant is present in population databases (rs781012325, gnomAD 0.004%). This variant has not been reported in the literature in individuals affected with VAMP1-related conditions. ClinVar contains an entry for this variant (Variation ID: 1368203). Algorithms developed to predict the effect of sequence changes on RNA splicing suggest that this variant may create or strengthen a splice site. In summary, the available evidence is currently insufficient to determine the role of this variant in disease. Therefore, it has been classified as a Variant of Uncertain Significance.

Dr. Peter K. Rogan Lab, Western University
No classification provided (evidence only). Condition: Nonpapillary renal cell carcinoma. Review status: no classification provided. Collection method: in vitro. Allele origin: not applicable. Functional consequence: retained intron. Not counted in ClinVar's aggregate classification.